The following is an entry in ClinVar:

NM_000535.7(PMS2):c.688G>A (p.Val230Met)

Gene: PMS2 (PMS1 homolog 2, mismatch repair system component; minus strand). Cytogenetic location: 7p22.1.
Variant type: single nucleotide variant.
Coding change: c.688G>A on transcript NM_000535.7 (MANE Select); coding-DNA position 688, G replaced by A.
Protein change: p.Val230Met; replaces valine 230 with methionine.
Molecular consequence: missense variant. On other transcripts: 5 prime UTR variant (2), non-coding transcript variant (1), intron variant (1).
Genome position (GRCh38, 1-based): chr7:5,999,125, C>T on the plus strand (G>A on the coding strand, the complement: PMS2 is on the minus strand). VCF-style: chr7-5999125-C-T. GRCh37 (hg19) VCF-style: chr7-6038756-C-T.
Other names: c.283G>A, p.Val95Met (NM_001322003.2, NM_001322004.2, NM_001322005.2 and 2 more transcripts); c.688G>A, p.Val230Met (NM_001322006.2, NM_001322014.2); c.370G>A, p.Val124Met (NM_001322007.2, NM_001322008.2); c.-246G>A (NM_001322011.2, NM_001322012.2); c.379G>A, p.Val127Met (NM_001322015.2); c.133-1702G>A (NM_001322013.2); short protein forms V230M, V95M, V127M, V124M.
Identifiers: ClinVar variation 627985 (VCV000627985.8), dbSNP rs1562677528, ClinGen allele CA366743845.

ClinVar aggregate classification (germline): Uncertain significance. Review status: criteria provided, multiple submitters, no conflicts (2 of 4 stars). 3 submissions from 3 submitters: Uncertain significance (3). Last evaluated 2024-10-12.

Conditions:
Hereditary cancer-predisposing syndrome. Also called: Neoplastic Syndromes, Hereditary; Tumor predisposition; Hereditary neoplastic syndrome; Hereditary Cancer Syndrome. Identifiers: Orphanet 140162, MedGen C0027672, MeSH D009386, MONDO:0015356.
Lynch syndrome 4 (LYNCH4). Also called: Colorectal cancer, hereditary nonpolyposis, type 4; Hereditary non-polyposis colorectal cancer, type 4. Identifiers: Orphanet 144, MedGen C1838333, MONDO:0013699, OMIM 614337. Disease mechanism: loss of function.
Hereditary nonpolyposis colorectal neoplasms. Identifiers: MedGen C0009405, MeSH D003123.

Submissions (3):

Labcorp Genetics (formerly Invitae), Labcorp
Classification: Uncertain significance for Hereditary nonpolyposis colorectal neoplasms. Last evaluated: 2024-10-12. Review status: criteria provided, single submitter. Criteria: Invitae Variant Classification Sherloc (09022015). Collection method: clinical testing. Allele origin: germline.
Comment: This sequence change replaces valine, which is neutral and non-polar, with methionine, which is neutral and non-polar, at codon 230 of the PMS2 protein (p.Val230Met). This variant is not present in population databases (gnomAD no frequency). This variant has not been reported in the literature in individuals affected with PMS2-related conditions. ClinVar contains an entry for this variant (Variation ID: 627985). Invitae Evidence Modeling incorporating data from in vitro experimental studies (internal data) indicates that this missense variant is not expected to disrupt PMS2 function with a negative predictive value of 95%. In summary, the available evidence is currently insufficient to determine the role of this variant in disease. Therefore, it has been classified as a Variant of Uncertain Significance.

Color Diagnostics, LLC DBA Color Health
Classification: Uncertain significance for Hereditary cancer-predisposing syndrome. Last evaluated: 2023-12-04. Review status: criteria provided, single submitter. Criteria: ACMG Guidelines, 2015. Collection method: clinical testing. Allele origin: germline.
Comment: This missense variant replaces valine with methionine at codon 230 of the PMS2 protein. Computational prediction is inconclusive regarding the impact of this variant on protein structure and function (internally defined REVEL score threshold 0.5 < inconclusive < 0.7, PMID: 27666373). To our knowledge, functional studies have not been reported for this variant. This variant has not been reported in individuals affected with PMS2-related disorders in the literature. This variant has not been identified in the general population by the Genome Aggregation Database (gnomAD). The available evidence is insufficient to determine the role of this variant in disease conclusively. Therefore, this variant is classified as a Variant of Uncertain Significance.

Baylor Genetics
Classification: Uncertain significance for Lynch syndrome 4. Last evaluated: 2023-09-05. Review status: criteria provided, single submitter. Criteria: ACMG Guidelines, 2015. Collection method: clinical testing. Allele origin: unknown.